The following is an entry in ClinVar:

ClinVar aggregate classification (germline): Conflicting classifications of pathogenicity. Review status: criteria provided, conflicting classifications (1 of 4 stars). 5 submissions from 4 submitters: Uncertain significance (2); Benign (1); Likely benign (2). Last evaluated 2025-12-01.

Conditions:
Microcephaly 9, primary, autosomal recessive. Identifiers: Orphanet 2512, MedGen C3553886, MONDO:0013923, OMIM 614852.
Seckel syndrome 5 (SCKL5). Identifiers: Orphanet 808, MedGen C3151187, MONDO:0013443, OMIM 613823.

Allele frequency attached by ClinVar (database versions not stated): ESP Exome Variant Server 0.00009; gnomAD 0.00018 and 0.00019; TOPMed 0.00019; ExAC 0.00025.
gnomAD v4.1: 252 of 1,613,852 alleles (0.016%); highest among the groups gnomAD compares: Non-Finnish European, 0.0036%; no homozygotes.

Submissions (5):

Labcorp Genetics (formerly Invitae), Labcorp
Classification: Benign. Last evaluated: 2025-12-01. Review status: criteria provided, single submitter. Criteria: Invitae Variant Classification Sherloc (09022015). Collection method: clinical testing. Allele origin: germline.

Blueprint Genetics
Classification: Likely benign. Last evaluated: 2024-11-07. Review status: criteria provided, single submitter. Criteria: ACMG Guidelines, 2015. Collection method: clinical testing. Allele origin: germline.

Illumina Laboratory Services, Illumina
Classification: Uncertain significance for Microcephaly 9, primary, autosomal recessive. Last evaluated: 2018-01-13. Review status: criteria provided, single submitter. Criteria: ICSL Variant Classification Criteria 13 December 2019. Collection method: clinical testing. Allele origin: germline.

Illumina Laboratory Services, Illumina
Classification: Uncertain significance for Seckel syndrome 5. Last evaluated: 2018-01-13. Review status: criteria provided, single submitter. Criteria: ICSL Variant Classification Criteria 13 December 2019. Collection method: clinical testing. Allele origin: germline.

GeneDx
Classification: Likely benign. Last evaluated: 2016-06-20. Review status: criteria provided, single submitter. Criteria: GeneDx Variant Classification (06012015). Collection method: clinical testing. Allele origin: germline. Affected: yes.
Comment: This variant is considered likely benign or benign based on one or more of the following criteria: it is a conservative change, it occurs at a poorly conserved position in the protein, it is predicted to be benign by multiple in silico algorithms, and/or has population frequency not consistent with disease.

NM_001194998.2(CEP152):c.3780G>C (p.Gly1260=)

Gene: CEP152 (centrosomal protein 152; minus strand). Cytogenetic location: 15q21.1.
Variant type: single nucleotide variant.
Coding change: c.3780G>C on transcript NM_001194998.2 (MANE Select); coding-DNA position 3780, G replaced by C.
Protein change: p.Gly1260=; no amino-acid change (glycine 1260 retained).
Molecular consequence: synonymous variant.
Genome position (GRCh38, 1-based): chr15:48,744,295, C>G on the plus strand (G>C on the coding strand, the complement: CEP152 is on the minus strand). VCF-style: chr15-48744295-C-G. GRCh37 (hg19) VCF-style: chr15-49036492-C-G.
Other names: c.3612G>C, p.Gly1204= (NM_014985.4).
Identifiers: ClinVar variation 316412 (VCV000316412.13), dbSNP rs199777941, ClinGen allele CA7548273.